The following is an entry in ClinVar:

NM_130849.4(SLC39A4):c.1462_1474+1del

Gene: SLC39A4 (solute carrier family 39 member 4; minus strand). Cytogenetic location: 8q24.3.
Variant type: Deletion.
Coding change: c.1462_1474+1del on transcript NM_130849.4 (MANE Select); coding-DNA position 1462 through the canonical splice donor site of the intron after coding-DNA position 1474, 14 bases deleted (AGACTGAGCCCAGG).
Molecular consequence: splice donor variant.
Genome position (GRCh38, 1-based): chr8:144,413,512-144,413,525, CCTGGGCTCAGTCT deleted on the plus strand (AGACTGAGCCCAGG on the coding strand, the reverse complement: SLC39A4 is on the minus strand); deleting any 14 consecutive bases within chr8:144,413,512-144,413,536 gives the same sequence; the c. name uses the placement nearest the transcript's 3' end. VCF-style (leftmost placement, unchanged base first): chr8-144413511-ACCTGGGCTCAGTCT-A. GRCh37 (hg19) VCF-style: chr8-145638895-ACCTGGGCTCAGTCT-A.
Other names: c.1180_1192+1del (NM_001374839.1); c.1387_1399+1del (NM_017767.3); c.-33_-21+1del (NM_001280557.2).
Identifiers: ClinVar variation 1452203 (VCV001452203.6), dbSNP rs2130794868, ClinGen allele CA2573143001.

ClinVar aggregate classification (germline): Pathogenic (1 of 4 stars; one submission).

Submission:

Labcorp Genetics (formerly Invitae), Labcorp
Classification: Pathogenic. Last evaluated: 2021-10-13. Review status: criteria provided, single submitter. Criteria: Invitae Variant Classification Sherloc (09022015). Collection method: clinical testing. Allele origin: germline.
Comment: For these reasons, this variant has been classified as Pathogenic. This variant disrupts the C-terminus of the SLC39A4 protein. Other variant(s) that disrupt this region (p.Ala608Argfs*3) have been observed in individuals with SLC39A4-related conditions (PMID: 26916651). This suggests that this may be a clinically significant region of the protein. Algorithms developed to predict the effect of sequence changes on RNA splicing suggest that this variant may disrupt the consensus splice site. This variant is also known as c.1462_1474+1del. This premature translational stop signal has been observed in individuals with acrodermatitis enteropathica (PMID: 18684156, 24962159). This variant is not present in population databases (ExAC no frequency). This sequence change creates a premature translational stop signal (p.Arg488Valfs*152) in the SLC39A4 gene. While this is not anticipated to result in nonsense mediated decay, it is expected to disrupt the last 160 amino acid(s) of the SLC39A4 protein.

Literature cited by the submitters: PubMed 26916651; PubMed 18684156; PubMed 24962159.